The following is an entry in ClinVar:

ClinVar aggregate classification (germline): Uncertain significance (1 of 4 stars; one submission).

Conditions:
Cardiovascular phenotype. Identifiers: MedGen CN230736.

gnomAD v4.1: 1 of 1,614,040 alleles (0.000062%); no homozygotes.

Submission:

Ambry Genetics
Classification: Uncertain significance for Cardiovascular phenotype. Last evaluated: 2025-05-03. Review status: criteria provided, single submitter. Criteria: Ambry Variant Classification Scheme 2023. Collection method: clinical testing. Allele origin: germline.
Comment: The p.Q889K variant (also known as c.2665C>A), located in coding exon 6 of the ALPK3 gene, results from a C to A substitution at nucleotide position 2665. The glutamine at codon 889 is replaced by lysine, an amino acid with similar properties. This amino acid position is conserved. In addition, this alteration is predicted to be tolerated by in silico analysis. Based on the available evidence, the clinical significance of this variant remains unclear.

NM_020778.5(ALPK3):c.2059C>A (p.Gln687Lys)

Gene: ALPK3 (alpha kinase 3; plus strand). Cytogenetic location: 15q25.3.
Variant type: single nucleotide variant.
Coding change: c.2059C>A on transcript NM_020778.5 (MANE Select); coding-DNA position 2059, C replaced by A.
Protein change: p.Gln687Lys; replaces glutamine 687 with lysine.
Molecular consequence: missense variant.
Genome position (GRCh38, 1-based): chr15:84,856,797, C>A. VCF-style: chr15-84856797-C-A. GRCh37 (hg19) VCF-style: chr15-85400028-C-A.
Other names: short protein forms Q687K.
Identifiers: ClinVar variation 4044722 (VCV004044722.1).